The following is an entry in ClinVar:

NM_025074.7(FRAS1):c.4160C>T (p.Ala1387Val)

Gene: FRAS1 (Fraser extracellular matrix complex subunit 1; plus strand). Cytogenetic location: 4q21.21.
Variant type: single nucleotide variant.
Coding change: c.4160C>T on transcript NM_025074.7 (MANE Select); coding-DNA position 4160, C replaced by T.
Protein change: p.Ala1387Val; replaces alanine 1387 with valine.
Molecular consequence: missense variant.
Genome position (GRCh38, 1-based): chr4:78,407,693, C>T. VCF-style: chr4-78407693-C-T. GRCh37 (hg19) VCF-style: chr4-79328847-C-T.
Other names: c.4160C>T, p.Ala1387Val (NM_001166133.2); short protein forms A1387V.
Identifiers: ClinVar variation 349709 (VCV000349709.18), dbSNP rs201864889, ClinGen allele CA2977121.

ClinVar aggregate classification (germline): Conflicting classifications of pathogenicity. Review status: criteria provided, conflicting classifications (1 of 4 stars). 5 submissions from 5 submitters: Uncertain significance (1); Benign (2); Likely benign (1). 1 of the submissions does not count toward it. Last evaluated 2025-11-01.

Conditions:
FRAS1-related disorder. Also called: FRAS1-related condition.
Fraser syndrome 1 (FRASRS1). Also called: CRYPTOPHTHALMOS WITH OTHER MALFORMATIONS. Identifiers: Orphanet 2052, MedGen C4551480, MONDO:0054737, OMIM 219000.

Allele frequency attached by ClinVar (database versions not stated): 1000 Genomes Project 30x 0.00016; 1000 Genomes Project 0.00020; gnomAD 0.00089 and 0.00091; TOPMed 0.00092; ESP Exome Variant Server 0.00104; ExAC 0.00114; gnomAD exomes 0.00128.
gnomAD v4.1: 1,563 of 1,613,226 alleles (0.097%); highest among the groups gnomAD compares: Middle Eastern, 0.17%; 4 homozygotes.

Submissions (5):

CeGaT Center for Human Genetics Tuebingen
Classification: Likely benign. Last evaluated: 2025-11-01. Review status: criteria provided, single submitter. Criteria: CeGaT Center For Human Genetics Tuebingen Variant Classification Criteria Version 2. Collection method: clinical testing. Allele origin: germline. Affected: yes. Observed: 1 variant allele.
Comment: FRAS1: BP4, BS1

Blueprint Genetics
Classification: Benign. Last evaluated: 2024-11-22. Review status: criteria provided, single submitter. Criteria: ACMG Guidelines, 2015. Collection method: clinical testing. Allele origin: germline.

Labcorp Genetics (formerly Invitae), Labcorp
Classification: Benign. Last evaluated: 2019-12-31. Review status: criteria provided, single submitter. Criteria: Invitae Variant Classification Sherloc (09022015). Collection method: clinical testing. Allele origin: germline.

Illumina Laboratory Services, Illumina
Classification: Uncertain significance for Fraser syndrome 1. Last evaluated: 2018-01-12. Review status: criteria provided, single submitter. Criteria: ICSL Variant Classification Criteria 13 December 2019. Collection method: clinical testing. Allele origin: germline.

PreventionGenetics, part of Exact Sciences
Classification: Likely benign for FRAS1-related condition. Last evaluated: 2021-08-04. Review status: no assertion criteria provided. Collection method: clinical testing. Allele origin: germline. Not counted in ClinVar's aggregate classification.
Comment: This variant is classified as likely benign based on ACMG/AMP sequence variant interpretation guidelines (Richards et al. 2015 PMID: 25741868, with internal and published modifications).